The following is an entry in ClinVar:

NM_001291303.3(FAT4):c.3479A>G (p.Gln1160Arg)

Gene: FAT4 (FAT atypical cadherin 4; plus strand). Cytogenetic location: 4q28.1.
Variant type: single nucleotide variant.
Coding change: c.3479A>G on transcript NM_001291303.3 (MANE Select); coding-DNA position 3479, A replaced by G.
Protein change: p.Gln1160Arg; replaces glutamine 1160 with arginine.
Molecular consequence: missense variant.
Genome position (GRCh38, 1-based): chr4:125,319,890, A>G. VCF-style: chr4-125319890-A-G. GRCh37 (hg19) VCF-style: chr4-126241045-A-G.
Other names: c.3479A>G, p.Gln1160Arg (NM_024582.6, NM_001291285.3); c.3479A>G (NM_024582.5); short protein forms Q1160R.
Identifiers: ClinVar variation 1421802 (VCV001421802.7), dbSNP rs776512346, ClinGen allele CA3072315.
Genomic context (GRCh38, chr4:125,319,890, plus strand): 5'-AAATGGTGCAGCCAGATTTTGAGTTGCATGCCATCAGTGGGGAAATTACAAATACTCATC[A>G]GTTTGACAGGGAGTCTCTTATGAGGCGGAGAGGGACTGCTGTGTTTAGCTTTACAGTCAT-3'
Protein context (NP_001278232.1, residues 1150-1170): AISGEITNTH[Gln1160Arg]FDRESLMRRR

ClinVar aggregate classification (germline): Uncertain significance. Review status: criteria provided, multiple submitters, no conflicts (2 of 4 stars). 2 submissions from 2 submitters: Uncertain significance (2). Last evaluated 2024-06-13.

Conditions:
Van Maldergem syndrome 2 (VMLDS2). Identifiers: Orphanet 314679, MedGen C3809875, MONDO:0014242, OMIM 615546.
Hennekam lymphangiectasia-lymphedema syndrome 2 (HKLLS2). Identifiers: Orphanet 2136, MedGen C4014939, MONDO:0014454, OMIM 616006.

Allele frequency attached by ClinVar (database versions not stated): gnomAD 0.00001; gnomAD exomes 0.00001 and 0.00004; ExAC 0.00002; TOPMed 0.00003.
gnomAD v4.1: 14 of 1,614,026 alleles (0.00087%); highest among the groups gnomAD compares: Admixed American, 0.018%; no homozygotes.

Submissions (2):

Fulgent Genetics
Classification: Uncertain significance for Van Maldergem syndrome 2; Hennekam lymphangiectasia-lymphedema syndrome 2. Last evaluated: 2024-06-13. Review status: criteria provided, single submitter. Criteria: ACMG Guidelines, 2015. Collection method: clinical testing. Allele origin: germline.

Labcorp Genetics (formerly Invitae), Labcorp
Classification: Uncertain significance. Last evaluated: 2024-04-15. Review status: criteria provided, single submitter. Criteria: Invitae Variant Classification Sherloc (09022015). Collection method: clinical testing. Allele origin: germline.
Comment: This sequence change replaces glutamine, which is neutral and polar, with arginine, which is basic and polar, at codon 1160 of the FAT4 protein (p.Gln1160Arg). This variant is present in population databases (rs776512346, gnomAD 0.03%). This variant has not been reported in the literature in individuals affected with FAT4-related conditions. ClinVar contains an entry for this variant (Variation ID: 1421802). Advanced modeling of protein sequence and biophysical properties (such as structural, functional, and spatial information, amino acid conservation, physicochemical variation, residue mobility, and thermodynamic stability) performed at Invitae indicates that this missense variant is not expected to disrupt FAT4 protein function with a negative predictive value of 95%. In summary, the available evidence is currently insufficient to determine the role of this variant in disease. Therefore, it has been classified as a Variant of Uncertain Significance.